The following is an entry in ClinVar:

NM_000368.5(TSC1):c.2431C>A (p.Arg811=)

Gene: TSC1 (TSC complex subunit 1; minus strand). Cytogenetic location: 9q34.13.
Variant type: single nucleotide variant.
Coding change: c.2431C>A on transcript NM_000368.5 (MANE Select); coding-DNA position 2431, C replaced by A.
Protein change: p.Arg811=; no amino-acid change (arginine 811 retained).
Molecular consequence: synonymous variant. On other transcripts: non-coding transcript variant (5).
Genome position (GRCh38, 1-based): chr9:132,901,660, G>T on the plus strand (C>A on the coding strand, the complement: TSC1 is on the minus strand). VCF-style: chr9-132901660-G-T. GRCh37 (hg19) VCF-style: chr9-135777047-G-T.
Other names: c.2428C>A, p.Arg810= (NM_001162426.2, NM_001406597.1, NM_001406598.1 and 4 more transcripts); c.2278C>A, p.Arg760= (NM_001162427.2, NM_001406610.1); c.2068C>A, p.Arg690= (NM_001362177.2, NM_001406614.1, NM_001406615.1 and 5 more transcripts); c.2431C>A, p.Arg811= (NM_001406592.1, NM_001406593.1, NM_001406594.1 and 5 more transcripts); c.2416C>A, p.Arg806= (NM_001406601.1, NM_001406602.1); c.2413C>A, p.Arg805= (NM_001406603.1, NM_001406604.1); c.2275C>A, p.Arg759= (NM_001406611.1, NM_001406612.1, NM_001406613.1); c.2065C>A, p.Arg689= (NM_001406620.1, NM_001406621.1, NM_001406622.1 and 2 more transcripts); and 3 more.
Identifiers: ClinVar variation 3329413 (VCV003329413.2).

ClinVar aggregate classification (germline): Benign/Likely benign. Review status: criteria provided, multiple submitters, no conflicts (2 of 4 stars). 2 submissions from 2 submitters: Benign (1); Likely benign (1). Last evaluated 2025-04-25.

Conditions:
Tuberous sclerosis 1 (TSC1). Identifiers: Orphanet 805, MedGen C1854465, MONDO:0008612, OMIM 191100.
Hereditary cancer-predisposing syndrome. Also called: Hereditary Cancer Syndrome; Tumor predisposition; Neoplastic Syndromes, Hereditary; Hereditary neoplastic syndrome. Identifiers: Orphanet 140162, MedGen C0027672, MeSH D009386, MONDO:0015356.

Submissions (2):

Myriad Genetics, Inc.
Classification: Benign for Tuberous sclerosis 1. Last evaluated: 2025-04-25. Review status: criteria provided, single submitter. Criteria: Myriad Autosomal Dominant, Autosomal Recessive and X-Linked Classification Criteria (2023). Collection method: clinical testing. Allele origin: unknown.
Comment: This variant is considered benign. This variant is a silent/synonymous amino acid change and it is not expected to impact splicing.

Ambry Genetics
Classification: Likely benign for Hereditary cancer-predisposing syndrome. Last evaluated: 2024-04-15. Review status: criteria provided, single submitter. Criteria: Ambry Variant Classification Scheme 2023. Collection method: clinical testing. Allele origin: germline.